The following is an entry in ClinVar:

ClinVar aggregate classification (germline): Likely benign. Review status: criteria provided, single submitter (1 of 4 stars). 2 submissions from 2 submitters: Likely benign (1). 1 of the submissions does not count toward it. Last evaluated 2022-08-08.

Conditions:
NTRK2-related disorder. Also called: NTRK2-related condition.

Allele frequency attached by ClinVar (database versions not stated): TOPMed below 0.00001; ExAC 0.00001; gnomAD 0.00001.
gnomAD v4.1: 1 of 1,614,072 alleles (0.000062%); highest among the groups gnomAD compares: Admixed American, 0.0017%; no homozygotes.

Submissions (2):

Labcorp Genetics (formerly Invitae), Labcorp
Classification: Likely benign. Last evaluated: 2022-08-08. Review status: criteria provided, single submitter. Criteria: Invitae Variant Classification Sherloc (09022015). Collection method: clinical testing. Allele origin: germline.

PreventionGenetics, part of Exact Sciences
Classification: Likely benign for NTRK2-related condition. Last evaluated: 2020-02-05. Review status: no assertion criteria provided. Collection method: clinical testing. Allele origin: germline. Not counted in ClinVar's aggregate classification.
Comment: This variant is classified as likely benign based on ACMG/AMP sequence variant interpretation guidelines (Richards et al. 2015 PMID: 25741868, with internal and published modifications).

NM_006180.6(NTRK2):c.2052G>A (p.Ala684=)

Gene: NTRK2 (neurotrophic receptor tyrosine kinase 2; plus strand). Cytogenetic location: 9q21.33.
Variant type: single nucleotide variant.
Coding change: c.2052G>A on transcript NM_006180.6 (MANE Select); coding-DNA position 2052, G replaced by A.
Protein change: p.Ala684=; no amino-acid change (alanine 684 retained).
Molecular consequence: synonymous variant.
Genome position (GRCh38, 1-based): chr9:84,955,397, G>A. VCF-style: chr9-84955397-G-A. GRCh37 (hg19) VCF-style: chr9-87570312-G-A.
Other names: c.2052G>A (NM_006180.4); c.2004G>A, p.Ala668= (NM_001018064.3, NM_001369532.1, NM_001369533.1); c.1968G>A, p.Ala656= (NM_001369534.1); c.1536G>A, p.Ala512= (NM_001369535.1); c.1584G>A, p.Ala528= (NM_001369536.1); c.2052G>A, p.Ala684= (NM_001381928.1).
Identifiers: ClinVar variation 1970587 (VCV001970587.6), dbSNP rs200528768, ClinGen allele CA5105907.